The following is an entry in ClinVar:

ClinVar aggregate classification (germline): Benign (1 of 4 stars; one submission).

Submission:

ISCA site 4
Classification: Benign. Last evaluated: 2011-08-12. Review status: criteria provided, single submitter. Criteria: Kaminsky et al. (Genet Med. 2011). Collection method: clinical testing. Allele origin: unknown. Affected: yes. Observed: 1 variant allele.
Comment: Copy number variation identified through the course of routine clinical cytogenomic testing in postnatal populations. Clinical assertions have been curated as described in Kaminsky et al. 2011.

GRCh38/hg38 15q11.2(chr15:24341879-24670107)x3

Genes: PWRN1 (Prader-Willi region non-protein coding RNA 1; plus strand), PWRN3 (Prader-Willi region non-protein coding RNA 3; plus strand). Cytogenetic location: 15q11.2.
Variant type: copy number gain.
Change: copy number 3 (three copies instead of two) of chr15:24,341,879-24,670,107 (328.2 kb, GRCh38 coordinates, 1-based), cytogenetic band 15q11.2.
Identifiers: ClinVar variation 57449 (VCV000057449.1).